The following is an entry in ClinVar:

NM_004462.5(FDFT1):c.100-40C>T

Gene: FDFT1 (farnesyl-diphosphate farnesyltransferase 1). Cytogenetic location: 8p23.1.
Variant type: single nucleotide variant.
Coding change: c.100-40C>T on transcript NM_004462.5 (MANE Select); 40 bases into the intron before coding-DNA position 100, C replaced by T.
Molecular consequence: intron variant. On other transcripts: synonymous variant (1).
Genome position (GRCh38, 1-based): chr8:11,808,754, C>T. VCF-style: chr8-11808754-C-T. GRCh37 (hg19) VCF-style: chr8-11666263-C-T.
Other names: c.-93-40C>T (NM_001287744.2, NM_001287745.2, NM_001287747.2 and 2 more transcripts); c.64+5844C>T (NM_001287756.2); c.237C>T, p.Ser79= (NM_001287750.2); c.100-40C>T (NM_001287742.2, NM_001287743.2).
Identifiers: ClinVar variation 2658414 (VCV002658414.23), dbSNP rs1807272164, ClinGen allele CA1764115148.
Genomic context (GRCh38, chr8:11,808,754, plus strand): 5'-GAGCCGCCTGCCCCAGTCCCACTCCCACTCCCACTCCCACTCCCACTCCCACTCCTGCTC[C>T]TCGACGTCTCCCACCGCCGTGTGTGTTGTCTGCCCGCAGGACTCGCTCAGCAGCAGCCTG-3'

ClinVar aggregate classification (germline): Likely benign (1 of 4 stars; one submission).

Submission:

CeGaT Center for Human Genetics Tuebingen
Classification: Likely benign. Last evaluated: 2022-04-01. Review status: criteria provided, single submitter. Criteria: CeGaT Center For Human Genetics Tuebingen Variant Classification Criteria Version 2. Collection method: clinical testing. Allele origin: germline. Affected: yes. Observed: 1 variant allele.
Comment: FDFT1: PM2:Supporting, BP4, BP7